The following is an entry in ClinVar:

ClinVar aggregate classification (germline): Conflicting classifications of pathogenicity. Review status: criteria provided, conflicting classifications (1 of 4 stars). 6 submissions from 6 submitters: Uncertain significance (4); Likely benign (2). Last evaluated 2025-12-04.

Conditions:
Epidermolysis bullosa simplex 5B, with muscular dystrophy (EBS5B). Also called: EPIDERMOLYSIS BULLOSA SIMPLEX AND LIMB-GIRDLE MUSCULAR DYSTROPHY; Epidermolysis bullosa simplex with muscular dystrophy. Identifiers: Orphanet 257, MedGen C2931072, MONDO:0009181, OMIM 226670.
Epidermolysis bullosa simplex, Ogna type (EBS5A). Also called: EPIDERMOLYSIS BULLOSA SIMPLEX 5A, OGNA TYPE; Pidermolysis bullosa simplex 5A, Ogna type. Identifiers: Orphanet 79401, MedGen C0432317, MONDO:0007555, OMIM 131950.
Epidermolysis bullosa simplex 5C, with pyloric atresia (EBS5C). Also called: PLEC1-Related Epidermolysis Bullosa with Pyloric Atresia; PLEC-Related Epidermolysis Bullosa with Pyloric Atresia; Epidermolysis bullosa simplex with pyloric atresia. Identifiers: Orphanet 158684, MedGen C2677349, MONDO:0012807, OMIM 612138.
Epidermolysis bullosa simplex with nail dystrophy (EBS5D). Identifiers: MedGen C4225309, MONDO:0014661, OMIM 616487.
Autosomal recessive limb-girdle muscular dystrophy type 2Q (LGMDR17). Also called: MUSCULAR DYSTROPHY, LIMB-GIRDLE, AUTOSOMAL RECESSIVE 17. Identifiers: Orphanet 254361, MedGen C3150989, MONDO:0013390, OMIM 613723.
Inborn genetic diseases. Identifiers: MedGen C0950123, MeSH D030342.

Allele frequency attached by ClinVar (database versions not stated): gnomAD exomes 0.00003 and 0.00008; gnomAD 0.00004 and 0.00005; ExAC 0.00005; TOPMed 0.00006; ESP Exome Variant Server 0.00016; 1000 Genomes Project 0.00020; 1000 Genomes Project 30x 0.00031.
gnomAD v4.1: 55 of 1,607,714 alleles (0.0034%); highest among the groups gnomAD compares: East Asian, 0.042%; no homozygotes.

Submissions (6):

Ambry Genetics
Classification: Likely benign for Inborn genetic diseases. Last evaluated: 2025-12-04. Review status: criteria provided, single submitter. Criteria: Ambry Variant Classification Scheme 2023. Collection method: clinical testing. Allele origin: germline.

Mayo Clinic Laboratories, Mayo Clinic
Classification: Uncertain significance. Last evaluated: 2024-06-14. Review status: criteria provided, single submitter. Criteria: ACMG Guidelines, 2015. Collection method: clinical testing. Allele origin: germline. Observed: 1 variant allele.
Comment: BP4

Labcorp Genetics (formerly Invitae), Labcorp
Classification: Uncertain significance for Autosomal recessive limb-girdle muscular dystrophy type 2Q; Epidermolysis bullosa simplex, Ogna type; Epidermolysis bullosa simplex with nail dystrophy; Epidermolysis bullosa simplex 5C, with pyloric atresia; Epidermolysis bullosa simplex 5B, with muscular dystrophy. Last evaluated: 2024-06-13. Review status: criteria provided, single submitter. Criteria: Invitae Variant Classification Sherloc (09022015). Collection method: clinical testing. Allele origin: germline.
Comment: This sequence change replaces arginine, which is basic and polar, with glutamine, which is neutral and polar, at codon 3035 of the PLEC protein (p.Arg3035Gln). This variant is present in population databases (rs200176579, gnomAD 0.09%). This variant has not been reported in the literature in individuals affected with PLEC-related conditions. ClinVar contains an entry for this variant (Variation ID: 448080). Algorithms developed to predict the effect of missense changes on protein structure and function output the following: SIFT: "Not Available"; PolyPhen-2: "Benign"; Align-GVGD: "Not Available". The glutamine amino acid residue is found in multiple mammalian species, which suggests that this missense change does not adversely affect protein function. In summary, the available evidence is currently insufficient to determine the role of this variant in disease. Therefore, it has been classified as a Variant of Uncertain Significance.

Eurofins Ntd Llc (ga)
Classification: Uncertain significance. Last evaluated: 2018-07-18. Review status: criteria provided, single submitter. Criteria: EGL ClinVar v180209 classification definitions. Collection method: clinical testing. Allele origin: germline. Observed: 3 variant alleles, 3 heterozygotes.

GeneDx
Classification: Likely benign. Last evaluated: 2018-03-22. Review status: criteria provided, single submitter. Criteria: GeneDx Variant Classification (06012015). Collection method: clinical testing. Allele origin: germline. Affected: yes.
Comment: This variant is considered likely benign or benign based on one or more of the following criteria: it is a conservative change, it occurs at a poorly conserved position in the protein, it is predicted to be benign by multiple in silico algorithms, and/or has population frequency not consistent with disease.

Athena Diagnostics
Classification: Uncertain significance. Last evaluated: 2017-04-11. Review status: criteria provided, single submitter. Criteria: Athena Diagnostics Criteria. Collection method: clinical testing. Allele origin: germline.

NM_201384.3(PLEC):c.9023G>A (p.Arg3008Gln)

Gene: PLEC (plectin; minus strand). Cytogenetic location: 8q24.3.
Variant type: single nucleotide variant.
Coding change: c.9023G>A on transcript NM_201384.3 (MANE Select); coding-DNA position 9023, G replaced by A.
Protein change: p.Arg3008Gln; replaces arginine 3008 with glutamine.
Molecular consequence: missense variant.
Genome position (GRCh38, 1-based): chr8:143,920,798, C>T on the plus strand (G>A on the coding strand, the complement: PLEC is on the minus strand). VCF-style: chr8-143920798-C-T. GRCh37 (hg19) VCF-style: chr8-144994966-C-T.
Other names: c.9104G>A, p.Arg3035Gln (NM_000445.5); c.8981G>A, p.Arg2994Gln (NM_201378.4); c.8957G>A, p.Arg2986Gln (NM_201379.3); c.9434G>A, p.Arg3145Gln (NM_201380.4); c.8927G>A, p.Arg2976Gln (NM_201381.3); c.9023G>A, p.Arg3008Gln (NM_201382.4); c.9035G>A, p.Arg3012Gln (NM_201383.3); short protein forms R2976Q, R2986Q, R2994Q, R3008Q, R3012Q, R3035Q, R3145Q.
Identifiers: ClinVar variation 448080 (VCV000448080.15), dbSNP rs200176579, ClinGen allele CA4925105.